The following is an entry in ClinVar:

NM_020549.5(CHAT):c.1249G>A (p.Gly417Arg)

Gene: CHAT (choline O-acetyltransferase; plus strand). Cytogenetic location: 10q11.23.
Variant type: single nucleotide variant.
Coding change: c.1249G>A on transcript NM_020549.5 (MANE Select); coding-DNA position 1249, G replaced by A.
Protein change: p.Gly417Arg; replaces glycine 417 with arginine.
Molecular consequence: missense variant.
Genome position (GRCh38, 1-based): chr10:49,646,642, G>A. VCF-style: chr10-49646642-G-A. GRCh37 (hg19) VCF-style: chr10-50854688-G-A.
Other names: c.895G>A, p.Gly299Arg (NM_020985.4, NM_020986.4, NM_001142929.2 and 2 more transcripts); c.1003G>A, p.Gly335Arg (NM_001142933.2); short protein forms G299R, G335R, G417R.
Identifiers: ClinVar variation 2680730 (VCV002680730.2), dbSNP rs1306112783, ClinGen allele CA376740674.
Genomic context (GRCh38, chr10:49,646,642, plus strand): 5'-GAGCTCAGCGACACCCACAGGGCACTCCAGCTCCTTCACGGCGGAGGCTACAGCAAGAAC[G>A]GGGCCAATCGCTGGTACGACAAGTCCCTGCAGGTAAGCCGTCCAGGTGGCCCTGCAAGAG-3'
Protein context (NP_065574.4, residues 407-427): LLHGGGYSKN[Gly417Arg]ANRWYDKSLQ

ClinVar aggregate classification (germline): Likely pathogenic. Review status: criteria provided, multiple submitters, no conflicts (2 of 4 stars). 2 submissions from 2 submitters: Likely pathogenic (2). Last evaluated 2025-09-23.

Conditions:
Congenital myasthenic syndrome (CMS). Also called: Congenital Myasthenic Syndromes. Identifiers: Orphanet 590, MedGen C0751882, MeSH D020294, MONDO:0018940.
Familial infantile myasthenia (CMS6). Also called: MYASTHENIC SYNDROME, PRESYNAPTIC, CONGENITAL, ASSOCIATED WITH EPISODIC APNEA; MYASTHENIC SYNDROME, CONGENITAL, 6, PRESYNAPTIC; Congenital myasthenic syndrome type 6. Identifiers: Orphanet 590, MedGen C0393929, MONDO:0009689, OMIM 254210.

Allele frequency attached by ClinVar (database versions not stated): gnomAD 0.00001; gnomAD exomes 0.00001.
gnomAD v4.1: 8 of 1,613,964 alleles (0.0005%); highest among the groups gnomAD compares: African/African-American, 0.0013%; no homozygotes.

Submissions (2):

Women's Health and Genetics/Laboratory Corporation of America, LabCorp
Classification: Likely pathogenic for Congenital myasthenic syndrome. Last evaluated: 2025-09-23. Review status: criteria provided, single submitter. Criteria: LabCorp Variant Classification Summary - May 2015. Collection method: clinical testing. Allele origin: germline.
Comment: Variant summary: CHAT c.1249G>A (p.Gly417Arg) results in a non-conservative amino acid change in the encoded protein sequence. Algorithms developed to predict the effect of missense changes on protein structure and function all suggest that this variant is likely to be disruptive. The variant was absent in 251180 control chromosomes (gnomAD). c.1249G>A has been observed in individuals affected with Congenital Myasthenic Syndrome (Schara_2010, Natera-de Benito_2017, Troha Gergeli_2020). These data indicate that the variant is likely to be associated with disease. To our knowledge, no experimental evidence demonstrating an impact on protein function has been reported. The following publications have been ascertained in the context of this evaluation (PMID: 19900826, 29054425, 32070632, 28464723). ClinVar contains an entry for this variant (Variation ID: 2680730). Based on the evidence outlined above, the variant was classified as likely pathogenic.

Baylor Genetics
Classification: Likely pathogenic for Familial infantile myasthenia. Last evaluated: 2023-08-24. Review status: criteria provided, single submitter. Criteria: ACMG Guidelines, 2015. Collection method: clinical testing. Allele origin: unknown.

Literature cited by the submitters: PubMed 29054425 (cited by Women's Health and Genetics/Laboratory Corporation of America, LabCorp); PubMed 19900826 (cited by Women's Health and Genetics/Laboratory Corporation of America, LabCorp); PubMed 32070632 (cited by Women's Health and Genetics/Laboratory Corporation of America, LabCorp); PubMed 28464723 (cited by Women's Health and Genetics/Laboratory Corporation of America, LabCorp).